The following is an entry in ClinVar:

NM_198859.4(PRICKLE2):c.2358C>G (p.Asn786Lys)

Genes: PRICKLE2 (prickle planar cell polarity protein 2; minus strand), PRICKLE2-AS1 (PRICKLE2 antisense RNA 1; plus strand). Cytogenetic location: 3p14.1.
Variant type: single nucleotide variant.
Coding change: c.2358C>G on transcript NM_198859.4 (MANE Select); coding-DNA position 2358, C replaced by G.
Protein change: p.Asn786Lys; replaces asparagine 786 with lysine.
Molecular consequence: missense variant. On other transcripts: non-coding transcript variant (1).
Genome position (GRCh38, 1-based): chr3:64,099,228, G>C on the plus strand (C>G on the coding strand, the complement: PRICKLE2 is on the minus strand). VCF-style: chr3-64099228-G-C. GRCh37 (hg19) VCF-style: chr3-64084904-G-C.
Other names: c.2358C>G, p.Asn786Lys (NM_001370528.1); short protein forms N786K.
Identifiers: ClinVar variation 1356443 (VCV001356443.8), dbSNP rs765451868, ClinGen allele CA353425998.

ClinVar aggregate classification (germline): Uncertain significance (1 of 4 stars; one submission).

Conditions:
Progressive myoclonic epilepsy type 5. Identifiers: Orphanet 402082, MedGen C5190799.

gnomAD v4.1: 11 of 1,614,170 alleles (0.00068%); highest among the groups gnomAD compares: African/African-American, 0.0013%; no homozygotes.

Submission:

Labcorp Genetics (formerly Invitae), Labcorp
Classification: Uncertain significance for Progressive myoclonic epilepsy type 5. Last evaluated: 2024-10-30. Review status: criteria provided, single submitter. Criteria: Invitae Variant Classification Sherloc (09022015). Collection method: clinical testing. Allele origin: germline.
Comment: This sequence change replaces asparagine, which is neutral and polar, with lysine, which is basic and polar, at codon 786 of the PRICKLE2 protein (p.Asn786Lys). This variant is present in population databases (no rsID available, gnomAD 0.0009%). This variant has not been reported in the literature in individuals affected with PRICKLE2-related conditions. ClinVar contains an entry for this variant (Variation ID: 1356443). Invitae Evidence Modeling of protein sequence and biophysical properties (such as structural, functional, and spatial information, amino acid conservation, physicochemical variation, residue mobility, and thermodynamic stability) indicates that this missense variant is expected to disrupt PRICKLE2 protein function with a positive predictive value of 80%. In summary, the available evidence is currently insufficient to determine the role of this variant in disease. Therefore, it has been classified as a Variant of Uncertain Significance.